The following is an entry in ClinVar:

ClinVar aggregate classification (germline): Uncertain significance (1 of 4 stars; one submission).

Allele frequency attached by ClinVar (database versions not stated): gnomAD exomes below 0.00001; gnomAD 0.00001.
gnomAD v4.1: 5 of 1,611,990 alleles (0.00031%); highest among the groups gnomAD compares: African/African-American, 0.0013%; no homozygotes.

Submission:

Labcorp Genetics (formerly Invitae), Labcorp
Classification: Uncertain significance. Last evaluated: 2021-09-01. Review status: criteria provided, single submitter. Criteria: Invitae Variant Classification Sherloc (09022015). Collection method: clinical testing. Allele origin: germline.
Comment: This sequence change replaces glutamine with arginine at codon 311 of the SLC25A12 protein (p.Gln311Arg). The glutamine residue is moderately conserved and there is a small physicochemical difference between glutamine and arginine. This variant is not present in population databases (ExAC no frequency). This variant has not been reported in the literature in individuals affected with SLC25A12-related conditions. Algorithms developed to predict the effect of missense changes on protein structure and function (SIFT, PolyPhen-2, Align-GVGD) all suggest that this variant is likely to be tolerated. In summary, the available evidence is currently insufficient to determine the role of this variant in disease. Therefore, it has been classified as a Variant of Uncertain Significance.

NM_003705.5(SLC25A12):c.932A>G (p.Gln311Arg)

Gene: SLC25A12 (solute carrier family 25 member 12; minus strand). Cytogenetic location: 2q31.1.
Variant type: single nucleotide variant.
Coding change: c.932A>G on transcript NM_003705.5 (MANE Select); coding-DNA position 932, A replaced by G.
Protein change: p.Gln311Arg; replaces glutamine 311 with arginine.
Molecular consequence: missense variant. On other transcripts: non-coding transcript variant (1).
Genome position (GRCh38, 1-based): chr2:171,815,201, T>C on the plus strand (A>G on the coding strand, the complement: SLC25A12 is on the minus strand). VCF-style: chr2-171815201-T-C. GRCh37 (hg19) VCF-style: chr2-172671711-T-C.
Other names: short protein forms Q311R.
Identifiers: ClinVar variation 840268 (VCV000840268.7), dbSNP rs1558916776, ClinGen allele CA349290590.
Genomic context (GRCh38, chr2:171,815,201, plus strand): 5'-GTGAATCTGTAAGCAGACTCGGCAATCTGGAGCCAGATAGGCCTGCCTAACCCAGGAGAC[T>C]GCTGCAGAGAAGAAAACGGGTAAAAAAAAATCTTGAAAGCGCACACAGCAAGTGAAAAAG-3'
Protein context (NP_003696.2, residues 301-321): PYNLAELQRQ[Gln311Arg]SPGLGRPIWL